The following is an entry in ClinVar:

NM_001031727.4(MRI1):c.629G>A (p.Arg210Gln)

Gene: MRI1 (methylthioribose-1-phosphate isomerase 1; plus strand). Cytogenetic location: 19p13.13.
Variant type: single nucleotide variant.
Coding change: c.629G>A on transcript NM_001031727.4 (MANE Select); coding-DNA position 629, G replaced by A.
Protein change: p.Arg210Gln; replaces arginine 210 with glutamine.
Molecular consequence: missense variant. On other transcripts: non-coding transcript variant (1).
Genome position (GRCh38, 1-based): chr19:13,768,642, G>A. VCF-style: chr19-13768642-G-A. GRCh37 (hg19) VCF-style: chr19-13879456-G-A.
Other names: c.542G>A, p.Arg181Gln (NM_001329572.2); c.488G>A, p.Arg163Gln (NM_032285.4); short protein forms R210Q, R163Q, R181Q.
Identifiers: ClinVar variation 183306 (VCV000183306.3), dbSNP rs141094096, ClinGen allele CA186059.

ClinVar aggregate classification (germline): Uncertain significance. Review status: criteria provided, single submitter (1 of 4 stars). 2 submissions from 1 submitter: Uncertain significance (1). 1 of the submissions does not count toward it. Last evaluated 2024-03-17.

Conditions:
Severe cystic degeneration of the brain. Identifiers: MedGen CN228278.
Infantile epilepsy. Identifiers: MedGen CN228296.

Allele frequency attached by ClinVar (database versions not stated): gnomAD 0.00006 and 0.00009; ESP Exome Variant Server 0.00008; gnomAD exomes 0.00010 and 0.00013; TOPMed 0.00011; ExAC 0.00015; 1000 Genomes Project 30x 0.00031; 1000 Genomes Project 0.00040.

Submissions (2):

Genomic Medicine Center of Excellence, King Faisal Specialist Hospital and Research Centre
Classification: Uncertain significance. Last evaluated: 2024-03-17. Review status: criteria provided, single submitter. Criteria: ACMG Guidelines, 2015. Collection method: research. Allele origin: germline.

Genomic Medicine Center of Excellence, King Faisal Specialist Hospital and Research Centre
Classification: Likely pathogenic for Infantile epilepsy; Severe cystic degeneration of the brain. Last evaluated: 2014-12-01. Review status: flagged submission. Criteria: research. Collection method: research. Allele origin: germline. Affected: yes. Not counted in ClinVar's aggregate classification.
ClinVar note: Reason: This record appears to be redundant with a more recent record from the same submitter.
ClinVar note: Notes: SCV000196411 appears to be redundant with SCV004804788.

Literature cited by the submitters: PubMed 25558065.